The following is an entry in ClinVar:

ClinVar aggregate classification (germline): Uncertain significance (1 of 4 stars; one submission).

Conditions:
PMM2-congenital disorder of glycosylation. Also called: CDG Ia; JAEKEN SYNDROME; Congenital disorder of glycosylation, type Ia; PMM2-CDG; PHOSPHOMANNOMUTASE 2 DEFICIENCY; CARBOHYDRATE-DEFICIENT GLYCOPROTEIN SYNDROME, TYPE Ia. Identifiers: Orphanet 79318, MedGen C0349653, MONDO:0008907, OMIM 212065.

Submission:

Labcorp Genetics (formerly Invitae), Labcorp
Classification: Uncertain significance for PMM2-congenital disorder of glycosylation. Last evaluated: 2020-11-18. Review status: criteria provided, single submitter. Criteria: Invitae Variant Classification Sherloc (09022015). Collection method: clinical testing. Allele origin: germline.
Comment: In summary, the available evidence is currently insufficient to determine the role of this variant in disease. Therefore, it has been classified as a Variant of Uncertain Significance. Algorithms developed to predict the effect of missense changes on protein structure and function output the following: SIFT: "Tolerated"; PolyPhen-2: "Benign"; Align-GVGD: "Class C0". The threonine amino acid residue is found in multiple mammalian species, suggesting that this missense change does not adversely affect protein function. These predictions have not been confirmed by published functional studies and their clinical significance is uncertain. This variant has not been reported in the literature in individuals with PMM2-related conditions. This variant is not present in population databases (ExAC no frequency). This sequence change replaces serine with threonine at codon 137 of the PMM2 protein (p.Ser137Thr). The serine residue is highly conserved and there is a small physicochemical difference between serine and threonine.

NM_000303.3(PMM2):c.410G>C (p.Ser137Thr)

Gene: PMM2 (phosphomannomutase 2; plus strand). Cytogenetic location: 16p13.2.
Variant type: single nucleotide variant.
Coding change: c.410G>C on transcript NM_000303.3 (MANE Select); coding-DNA position 410, G replaced by C.
Protein change: p.Ser137Thr; replaces serine 137 with threonine.
Molecular consequence: missense variant.
Genome position (GRCh38, 1-based): chr16:8,811,141, G>C. VCF-style: chr16-8811141-G-C. GRCh37 (hg19) VCF-style: chr16-8904998-G-C.
Other names: short protein forms S137T.
Identifiers: ClinVar variation 947938 (VCV000947938.9), dbSNP rs2060675203, ClinGen allele CA394696624.
Genomic context (GRCh38, chr16:8,811,141, plus strand): 5'-GTACTTTCATTGAATTCCGAAATGGGATGTTAAACGTGTCCCCTATTGGAAGAAGCTGCA[G>C]CCAAGAAGAACGCATTGAGTTCTACGAACTCGATAAAGTACGTCTTTCTGAAATATCTTT-3'
Protein context (NP_000294.1, residues 127-147): LNVSPIGRSC[Ser137Thr]QEERIEFYEL